The following is an entry in ClinVar:

NM_015937.6(PIGT):c.1520G>A (p.Arg507Gln)

Gene: PIGT (phosphatidylinositol glycan anchor biosynthesis class T; plus strand). Cytogenetic location: 20q13.12.
Variant type: single nucleotide variant.
Coding change: c.1520G>A on transcript NM_015937.6 (MANE Select); coding-DNA position 1520, G replaced by A.
Protein change: p.Arg507Gln; replaces arginine 507 with glutamine.
Molecular consequence: missense variant. On other transcripts: non-coding transcript variant (5).
Genome position (GRCh38, 1-based): chr20:45,425,609, G>A. VCF-style: chr20-45425609-G-A. GRCh37 (hg19) VCF-style: chr20-44054249-G-A.
Other names: c.1352G>A, p.Arg451Gln (NM_001184728.3); c.1319G>A, p.Arg440Gln (NM_001184729.3); c.1214G>A, p.Arg405Gln (NM_001184730.3); c.1520G>A (NM_015937.5); short protein forms R405Q, R440Q, R507Q, R451Q.
Identifiers: ClinVar variation 1363275 (VCV001363275.32), dbSNP rs769195904, ClinGen allele CA9878303.

ClinVar aggregate classification (germline): Conflicting classifications of pathogenicity. Review status: criteria provided, conflicting classifications (1 of 4 stars). 6 submissions from 6 submitters: Pathogenic (1); Likely pathogenic (3); Uncertain significance (2). Last evaluated 2026-01-26.

Conditions:
PIGT-related disorder.
Multiple congenital anomalies-hypotonia-seizures syndrome 3 (MCAHS3). Also called: GLYCOSYLPHOSPHATIDYLINOSITOL BIOSYNTHESIS DEFECT 7. Identifiers: Orphanet 369837, MedGen C3809356, MONDO:0014165, OMIM 615398.

Allele frequency attached by ClinVar (database versions not stated): gnomAD 0.00003 and 0.00004; gnomAD exomes 0.00003; ExAC 0.00004; TOPMed 0.00004.
gnomAD v4.1: 45 of 1,613,660 alleles (0.0028%); highest among the groups gnomAD compares: Non-Finnish European, 0.0035%; no homozygotes.

Submissions (8):

Labcorp Genetics (formerly Invitae), Labcorp
Classification: Uncertain significance for Multiple congenital anomalies-hypotonia-seizures syndrome 3. Last evaluated: 2026-01-26. Review status: criteria provided, single submitter. Criteria: Invitae Variant Classification Sherloc (09022015). Collection method: clinical testing. Allele origin: germline.
Comment: This sequence change replaces arginine, which is basic and polar, with glutamine, which is neutral and polar, at codon 507 of the PIGT protein (p.Arg507Gln). This variant is present in population databases (rs769195904, gnomAD 0.005%). This missense change has been observed in individual(s) with clinical features of multiple congenital anomalies-hypotonia-seizures syndrome 3 (PMID: 32725661, 34046058). In at least one individual the data is consistent with being in trans (on the opposite chromosome) from a pathogenic variant. ClinVar contains an entry for this variant (Variation ID: 1363275). Invitae Evidence Modeling of protein sequence and biophysical properties (such as structural, functional, and spatial information, amino acid conservation, physicochemical variation, residue mobility, and thermodynamic stability) indicates that this missense variant is not expected to disrupt PIGT protein function with a negative predictive value of 95%. Algorithms developed to predict the effect of sequence changes on RNA splicing suggest that this variant may disrupt the consensus splice site. This variant disrupts the p.Arg507 amino acid residue in PIGT. Other variant(s) that disrupt this residue have been observed in individuals with PIGT-related conditions (PMID: 34046058), which suggests that this may be a clinically significant amino acid residue. In summary, the available evidence is currently insufficient to determine the role of this variant in disease. Therefore, it has been classified as a Variant of Uncertain Significance.

Institute of Human Genetics, University of Leipzig Medical Center
Classification: Pathogenic for Multiple congenital anomalies-hypotonia-seizures syndrome 3. Last evaluated: 2025-12-17. Review status: criteria provided, single submitter. Criteria: ACMG Guidelines, 2015. Collection method: clinical testing. Allele origin: unknown. Inheritance: Autosomal recessive inheritance. Affected: yes.
Comment: Criteria applied: PM3_VSTR,PM2,PP3; Identified as compund heterozygous with NM_015937.6:c.1582G>A

Blueprint Genetics
Classification: Likely pathogenic for PIGT-related disorders. Last evaluated: 2024-11-25. Review status: criteria provided, single submitter. Criteria: ACMG Guidelines, 2015. Collection method: clinical testing. Allele origin: germline. Affected: yes. Observed: 5 variant alleles.

GeneDx
Classification: Likely pathogenic. Last evaluated: 2024-07-30. Review status: criteria provided, single submitter. Criteria: GeneDx Variant Classification Process June 2021. Collection method: clinical testing. Allele origin: germline. Affected: yes.
Comment: Not observed at significant frequency in large population cohorts (gnomAD); In silico analysis supports a deleterious effect on splicing; In silico analysis indicates that this missense variant does not alter protein structure/function; This variant is associated with the following publications: (PMID: 38963495, 38903302, 32725661, 34046058)

CeGaT Center for Human Genetics Tuebingen
Classification: Likely pathogenic. Last evaluated: 2023-12-01. Review status: criteria provided, single submitter. Criteria: CeGaT Center For Human Genetics Tuebingen Variant Classification Criteria Version 2. Collection method: clinical testing. Allele origin: germline. Affected: yes. Observed: 1 variant allele.
Comment: PIGT: PM3:Strong, PM2, PP3

Revvity Omics, Revvity
Classification: Uncertain significance. Last evaluated: 2021-11-17. Review status: criteria provided, single submitter. Criteria: ACMG Guidelines, 2015. Collection method: clinical testing. Allele origin: germline.

Dr. Peter K. Rogan Lab, Western University
No classification provided (evidence only). Condition: Familial cancer of breast. Review status: no classification provided. Collection method: in vitro. Allele origin: not applicable. Functional consequence: retained intron. Not counted in ClinVar's aggregate classification.

Dr. Peter K. Rogan Lab, Western University
No classification provided (evidence only). Condition: Ovarian serous cystadenocarcinoma. Review status: no classification provided. Collection method: in vitro. Allele origin: not applicable. Functional consequence: retained intron. Not counted in ClinVar's aggregate classification.

Literature cited by the submitters: PubMed 32725661 (cited by Labcorp Genetics (formerly Invitae), Labcorp); PubMed 34046058 (cited by Labcorp Genetics (formerly Invitae), Labcorp).